The following is an entry in ClinVar:

NM_002076.4(GNS):c.558G>A (p.Leu186=)

Gene: GNS (glucosamine (N-acetyl)-6-sulfatase; minus strand). Cytogenetic location: 12q14.3.
Variant type: single nucleotide variant.
Coding change: c.558G>A on transcript NM_002076.4 (MANE Select); coding-DNA position 558, G replaced by A.
Protein change: p.Leu186=; no amino-acid change (leucine 186 retained).
Molecular consequence: synonymous variant.
Genome position (GRCh38, 1-based): chr12:64,744,875, C>T on the plus strand (G>A on the coding strand, the complement: GNS is on the minus strand). VCF-style: chr12-64744875-C-T. GRCh37 (hg19) VCF-style: chr12-65138655-C-T.
Other names: c.558G>A (NM_002076.3).
Identifiers: ClinVar variation 1113587 (VCV001113587.11), dbSNP rs200414276, ClinGen allele CA6669901.

ClinVar aggregate classification (germline): Likely benign. Review status: criteria provided, single submitter (1 of 4 stars). 2 submissions from 2 submitters: Likely benign (1). 1 of the submissions does not count toward it. Last evaluated 2025-07-25.

Conditions:
GNS-related disorder. Also called: GNS-related condition.
Mucopolysaccharidosis, MPS-III-D (MPS3D). Also called: MPS III D; Mucopoly-saccharidosis type 3D; N-acetylglucosamine-6-sulfate sulfatase deficiency; MPS 3D; N-ACETYLGLUCOSAMINE-6-SULFATASE DEFICIENCY; SANFILIPPO SYNDROME D. Identifiers: Orphanet 581, Orphanet 79272, MedGen C0086650, MONDO:0009658, OMIM 252940.

Allele frequency attached by ClinVar (database versions not stated): gnomAD 0.00002 and 0.00001; gnomAD exomes 0.00001; 1000 Genomes Project 0.00040; TOPMed 0.00002; 1000 Genomes Project 30x 0.00047; ExAC 0.00002.
gnomAD v4.1: 10 of 1,537,380 alleles (0.00065%); highest among the groups gnomAD compares: African/African-American, 0.0054%; no homozygotes.

Submissions (2):

Labcorp Genetics (formerly Invitae), Labcorp
Classification: Likely benign for Mucopolysaccharidosis, MPS-III-D. Last evaluated: 2025-07-25. Review status: criteria provided, single submitter. Criteria: Invitae Variant Classification Sherloc (09022015). Collection method: clinical testing. Allele origin: germline.

PreventionGenetics, part of Exact Sciences
Classification: Likely benign for GNS-related condition. Last evaluated: 2019-06-21. Review status: no assertion criteria provided. Collection method: clinical testing. Allele origin: germline. Not counted in ClinVar's aggregate classification.
Comment: This variant is classified as likely benign based on ACMG/AMP sequence variant interpretation guidelines (Richards et al. 2015 PMID: 25741868, with internal and published modifications).